The following is an entry in ClinVar:

NM_001256007.3(PNPLA8):c.795G>A (p.Thr265=)

Gene: PNPLA8 (patatin like domain 8, phospholipase A2; minus strand). Cytogenetic location: 7q31.1.
Variant type: single nucleotide variant.
Coding change: c.795G>A on transcript NM_001256007.3 (MANE Select); coding-DNA position 795, G replaced by A.
Protein change: p.Thr265=; no amino-acid change (threonine 265 retained).
Molecular consequence: synonymous variant.
Genome position (GRCh38, 1-based): chr7:108,514,697, C>T on the plus strand (G>A on the coding strand, the complement: PNPLA8 is on the minus strand). VCF-style: chr7-108514697-C-T. GRCh37 (hg19) VCF-style: chr7-108155141-C-T.
Other names: c.795G>A, p.Thr265= (NM_001256008.3, NM_001256009.3, NM_015723.5); c.495G>A, p.Thr165= (NM_001256010.3, NM_001256011.3).
Identifiers: ClinVar variation 733449 (VCV000733449.21), dbSNP rs149043701, ClinGen allele CA4439759.

ClinVar aggregate classification (germline): Likely benign. Review status: criteria provided, multiple submitters, no conflicts (2 of 4 stars). 3 submissions from 3 submitters: Likely benign (3). Last evaluated 2026-01-11.

Allele frequency attached by ClinVar (database versions not stated): ExAC 0.00012; gnomAD exomes 0.00012; TOPMed 0.00020; gnomAD 0.00022; ESP Exome Variant Server 0.00023.

Submissions (3):

Labcorp Genetics (formerly Invitae), Labcorp
Classification: Likely benign. Last evaluated: 2026-01-11. Review status: criteria provided, single submitter. Criteria: Invitae Variant Classification Sherloc (09022015). Collection method: clinical testing. Allele origin: germline.

CeGaT Center for Human Genetics Tuebingen
Classification: Likely benign. Last evaluated: 2024-10-01. Review status: criteria provided, single submitter. Criteria: CeGaT Center For Human Genetics Tuebingen Variant Classification Criteria Version 2. Collection method: clinical testing. Allele origin: germline. Affected: yes. Observed: 1 variant allele.
Comment: PNPLA8: BP4, BP7

Breakthrough Genomics
Classification: Likely benign. Review status: criteria provided, single submitter. Criteria: ACMG Guidelines, 2015. Collection method: not provided. Allele origin: germline. Inheritance: Autosomal recessive inheritance. Affected: yes.